The following is an entry in ClinVar:

NM_002473.6(MYH9):c.4270G>A (p.Asp1424Asn)

Gene: MYH9 (myosin heavy chain 9; minus strand). Cytogenetic location: 22q12.3.
Variant type: single nucleotide variant.
Coding change: c.4270G>A on transcript NM_002473.6 (MANE Select); coding-DNA position 4270, G replaced by A.
Protein change: p.Asp1424Asn; replaces aspartic acid 1424 with asparagine.
Molecular consequence: missense variant.
Genome position (GRCh38, 1-based): chr22:36,292,060, C>T on the plus strand (G>A on the coding strand, the complement: MYH9 is on the minus strand). VCF-style: chr22-36292060-C-T. GRCh37 (hg19) VCF-style: chr22-36688106-C-T.
Other names: short protein forms D1424N.
Identifiers: ClinVar variation 14082 (VCV000014082.38), dbSNP rs80338831, ClinGen allele CA123739.

ClinVar aggregate classification (germline): Pathogenic/Likely pathogenic. Review status: criteria provided, multiple submitters, no conflicts (2 of 4 stars). 19 submissions from 19 submitters: Pathogenic (16); Likely pathogenic (1). 2 of the submissions do not count toward it. Last evaluated 2026-08-01.

Conditions:
Macrothrombocytopenia and granulocyte inclusions with or without nephritis or sensorineural hearing loss (MATINS). Also called: BLEEDING DISORDER, PLATELET-TYPE, 6; MAY-HEGGLIN ANOMALY; MACROTHROMBOCYTOPENIA WITH LEUKOCYTE INCLUSIONS; DOHLE LEUKOCYTE INCLUSIONS WITH GIANT PLATELETS; Fechtner syndrome; Epstein syndrome. Identifiers: Orphanet 182050, MedGen C5200934, MONDO:0015912, OMIM 155100.
MYH9-related disorder. Identifiers: MedGen C1854520.
Autosomal dominant nonsyndromic hearing loss 17. Also called: Deafness, autosomal dominant 17; Autosomal dominant nonsyndromic deafness 17. Identifiers: Orphanet 90635, MedGen C1863659, MONDO:0011350, OMIM 603622.
Thrombocytopenia. Identifiers: MedGen C0040034, MeSH D013921, MONDO:0002049, HP:0001873.

Submissions 1 to 15 of 19:

CeGaT Center for Human Genetics Tuebingen
Classification: Pathogenic. Last evaluated: 2026-08-01. Review status: criteria provided, single submitter. Criteria: CeGaT Center For Human Genetics Tuebingen Variant Classification Criteria Version 2. Collection method: clinical testing. Allele origin: germline. Affected: yes. Observed: 2 variant alleles.
Comment: MYH9: PP1:Strong, PM2, PM5, PS4:Moderate, PS3:Supporting

Labcorp Genetics (formerly Invitae), Labcorp
Classification: Pathogenic. Last evaluated: 2026-01-02. Review status: criteria provided, single submitter. Criteria: Invitae Variant Classification Sherloc (09022015). Collection method: clinical testing. Allele origin: germline.
Comment: This sequence change replaces aspartic acid, which is acidic and polar, with asparagine, which is neutral and polar, at codon 1424 of the MYH9 protein (p.Asp1424Asn). This variant is not present in population databases (gnomAD no frequency). This missense change has been observed in individuals with MYH9-related disorders (PMID: 11159552, 23207509). It has also been observed to segregate with disease in related individuals. ClinVar contains an entry for this variant (Variation ID: 14082). Invitae Evidence Modeling of protein sequence and biophysical properties (such as structural, functional, and spatial information, amino acid conservation, physicochemical variation, residue mobility, and thermodynamic stability) has been performed for this missense variant. However, the output from this modeling did not meet the statistical confidence thresholds required to predict the impact of this variant on MYH9 protein function. Experimental studies have shown that this missense change affects MYH9 function (PMID: 15339844). For these reasons, this variant has been classified as Pathogenic.

Revvity Omics, Revvity
Classification: Pathogenic. Last evaluated: 2025-06-13. Review status: criteria provided, single submitter. Criteria: ACMG Guidelines, 2015. Collection method: clinical testing. Allele origin: germline.

Mayo Clinic Laboratories, Mayo Clinic
Classification: Pathogenic. Last evaluated: 2024-10-22. Review status: criteria provided, single submitter. Criteria: ACMG Guidelines, 2015. Collection method: clinical testing. Allele origin: germline. Observed: 7 variant alleles.
Comment: PP1_moderate, PP2, PP3, PP5, PM2_moderate, PM5, PS3, PS4

GeneDx
Classification: Pathogenic. Last evaluated: 2024-07-25. Review status: criteria provided, single submitter. Criteria: GeneDx Variant Classification Process June 2021. Collection method: clinical testing. Allele origin: germline. Affected: yes.
Comment: Published functional studies demonstrate a damaging effect on platelet count, platelet size, and bleeding time (PMID: 35584211, 32315395, 21908426); Not observed at significant frequency in large population cohorts (gnomAD); In silico analysis supports that this missense variant has a deleterious effect on protein structure/function; This variant is associated with the following publications: (PMID: 30725031, 31064749, 23207509, 22217922, 22967416, 27577209, 26226608, 26942920, 29451856, 32581362, 33855781, 34711033, 34711031, 35295078, 16162639, 24186861, 12649151, 21908426, 32315395, 15339844, 19572073, 35584211, 11159552)

Fulgent Genetics
Classification: Pathogenic for Macrothrombocytopenia and granulocyte inclusions with or without nephritis or sensorineural hearing loss; Autosomal dominant nonsyndromic hearing loss 17. Last evaluated: 2024-03-08. Review status: criteria provided, single submitter. Criteria: ACMG Guidelines, 2015. Collection method: clinical testing. Allele origin: germline.

Women's Health and Genetics/Laboratory Corporation of America, LabCorp
Classification: Pathogenic for Macrothrombocytopenia and granulocyte inclusions with or without nephritis or sensorineural hearing loss. Last evaluated: 2023-11-17. Review status: criteria provided, single submitter. Criteria: LabCorp Variant Classification Summary - May 2015. Collection method: clinical testing. Allele origin: germline.
Comment: Variant summary: MYH9 c.4270G>A (p.Asp1424Asn) results in a conservative amino acid change in the encoded protein sequence. Four of five in-silico tools predict a damaging effect of the variant on protein function. The variant was absent in 251372 control chromosomes. c.4270G>A has been reported in the literature in multiple individuals affected with Macrothrombocytopenia And Granulocyte Inclusions With Or Without Nephritis Or Sensorineural Hearing Loss (Deutsch_2003, Verver_2016), and it co-segregated with disease conditions in two large families (Deutsch_2003). These data indicate that the variant is very likely to be associated with disease. At least one publication reports experimental evidence evaluating an impact on protein function. The most pronounced variant effect results in <50% of normal protein levels in patients' cells (Deutsch_2003). The following publications have been ascertained in the context of this evaluation (PMID: 12649151, 26226608). Seven submitters have cited clinical-significance assessments for this variant to ClinVar after 2014. All submitters classified the variant as pathogenic/likely pathogenic. Based on the evidence outlined above, the variant was classified as pathogenic.

PreventionGenetics, part of Exact Sciences
Classification: Pathogenic for MYH9-related condition. Last evaluated: 2023-08-18. Review status: criteria provided, single submitter. Criteria: ACMG Guidelines, 2015. Collection method: clinical testing. Allele origin: germline.
Comment: The MYH9 c.4270G>A variant is predicted to result in the amino acid substitution p.Asp1424Asn. This variant has been reported to be causative for MYH9-related disorders in several unrelated families (see for example Kunishima et al. 2001. PubMed ID: 11159552; Seri et al. 2003. PubMed ID: 12792306; Dong et al. 2005. PubMed ID: 16098078; Verver et al. 2016. PubMed ID: 26226608). The c.4270G>A substitution is one of the most common pathogenic variants found in the MYH9 gene, and it is thought to cause disease due to haploinsufficiency from unstable MYH9 protein (Deutsch et al. 2003. PubMed ID: 12649151). This variant has not been reported in a large population database, indicating this variant is rare. This variant is interpreted as pathogenic.

Blueprint Genetics
Classification: Pathogenic for MYH9-related disorders. Last evaluated: 2023-07-13. Review status: criteria provided, single submitter. Criteria: ACMG Guidelines, 2015. Collection method: clinical testing. Allele origin: germline. Affected: yes. Observed: 5 variant alleles.

Genetics and Molecular Pathology, SA Pathology
Classification: Likely pathogenic for Autosomal dominant nonsyndromic hearing loss 17. Last evaluated: 2021-05-31. Review status: criteria provided, single submitter. Criteria: ACMG Guidelines, 2015. Collection method: clinical testing. Allele origin: germline. Inheritance: Autosomal dominant inheritance. Affected: yes.

MNM Diagnostics
Classification: Pathogenic for Thrombocytopenia. Last evaluated: 2020-05-27. Review status: criteria provided, single submitter. Criteria: ACMG Guidelines, 2015. Collection method: clinical testing. Allele origin: inherited. Inheritance: Autosomal dominant inheritance. Affected: yes.
Comment: According to ACMG Guidelines, the variant meets the following criteria of pathogenicity: PS4, PM2, PM5, PP2, PP3, PP4, PP5.

NIHR Bioresource Rare Diseases, University of Cambridge
Classification: Pathogenic for MYH9-related disorder. Last evaluated: 2018-12-12. Review status: criteria provided, single submitter. Criteria: ACMG Guidelines, 2015. Collection method: research. Allele origin: unknown. Inheritance: Autosomal dominant inheritance. Affected: yes. Observed: 4 heterozygotes.
Comment: PS4, PP1_strong, PM2, PP4, PP3

Genetic Services Laboratory, University of Chicago
Classification: Pathogenic for May-Hegglin anomaly. Last evaluated: 2016-12-29. Review status: criteria provided, single submitter. Criteria: ACMG Guidelines, 2015. Collection method: clinical testing. Allele origin: germline. Affected: yes.

Clinical Genetics Service, Universitary Hospital 12 de Octubre
Classification: Pathogenic for Macrothrombocytopenia and granulocyte inclusions with or without nephritis or sensorineural hearing loss. Review status: criteria provided, single submitter. Criteria: ACMG Guidelines, 2015. Collection method: clinical testing. Allele origin: germline. Affected: yes.

ISTH-SSC Genomics in Thrombosis and Hemostasis, KU Leuven, Center for Molecular and Vascular Biology
Classification: Pathogenic for Macrothrombocytopenia and granulocyte inclusions with or without nephritis or sensorineural hearing loss. Review status: criteria provided, single submitter. Criteria: ACMG Guidelines, 2015. Collection method: clinical testing. Allele origin: maternal, unknown. Affected: yes. Observed: 3 heterozygotes. Clinical features observed: Macrothrombocytopenia, Döhle body-like inclusions.
Comment: GoldVariant submitters: Dr Karyn Mégy, NIHR Bioresource - Cambridge University, UK and Marie-Christine Morel-Kopp, Northern Blood Research Centre, Sydney, Australia